The following is an entry in ClinVar:

ClinVar aggregate classification (germline): Uncertain significance (1 of 4 stars; one submission).

Conditions:
Inborn genetic diseases. Identifiers: MedGen C0950123, MeSH D030342.

gnomAD v4.1: 1 of 1,612,754 alleles (0.000062%); highest among the groups gnomAD compares: Non-Finnish European, 0.000085%; no homozygotes.

Submission:

Ambry Genetics
Classification: Uncertain significance for Inborn genetic diseases. Last evaluated: 2026-02-16. Review status: criteria provided, single submitter. Criteria: Ambry Variant Classification Scheme 2023. Collection method: clinical testing. Allele origin: germline.
Comment: The p.S301F variant (also known as c.902C>T), located in coding exon 7 of the BMPR2 gene, results from a C to T substitution at nucleotide position 902. The serine at codon 301 is replaced by phenylalanine, an amino acid with highly dissimilar properties. This amino acid position is conserved. In addition, this alteration is predicted to be deleterious by in silico analysis. Based on the available evidence, the clinical significance of this variant remains unclear.

NM_001204.7(BMPR2):c.902C>T (p.Ser301Phe)

Gene: BMPR2 (bone morphogenetic protein receptor type 2; plus strand). Cytogenetic location: 2q33.2.
Variant type: single nucleotide variant.
Coding change: c.902C>T on transcript NM_001204.7 (MANE Select); coding-DNA position 902, C replaced by T.
Protein change: p.Ser301Phe; replaces serine 301 with phenylalanine.
Molecular consequence: missense variant.
Genome position (GRCh38, 1-based): chr2:202,520,136, C>T. VCF-style: chr2-202520136-C-T. GRCh37 (hg19) VCF-style: chr2-203384859-C-T.
Other names: short protein forms S301F.
Identifiers: ClinVar variation 4824922 (VCV004824922.1).